The following is an entry in ClinVar:

NM_000539.3(RHO):c.687C>T (p.Thr229=)

Gene: RHO (rhodopsin; plus strand). Cytogenetic location: 3q22.1.
Variant type: single nucleotide variant.
Coding change: c.687C>T on transcript NM_000539.3 (MANE Select); coding-DNA position 687, C replaced by T.
Protein change: p.Thr229=; no amino-acid change (threonine 229 retained).
Molecular consequence: synonymous variant.
Genome position (GRCh38, 1-based): chr3:129,532,407, C>T. VCF-style: chr3-129532407-C-T. GRCh37 (hg19) VCF-style: chr3-129251250-C-T.
Identifiers: ClinVar variation 2183226 (VCV002183226.6), dbSNP rs143003934, ClinGen allele CA2607239.

ClinVar aggregate classification (germline): Likely benign. Review status: criteria provided, single submitter (1 of 4 stars). 2 submissions from 2 submitters: Likely benign (1). 1 of the submissions does not count toward it. Last evaluated 2026-02-01.

Conditions:
RHO-related disorder. Also called: RHO-related condition.

Allele frequency attached by ClinVar (database versions not stated): TOPMed 0.00005; gnomAD 0.00007; ESP Exome Variant Server 0.00008.
gnomAD v4.1: 181 of 1,613,892 alleles (0.011%); highest among the groups gnomAD compares: Non-Finnish European, 0.014%; no homozygotes.

Submissions (2):

Labcorp Genetics (formerly Invitae), Labcorp
Classification: Likely benign. Last evaluated: 2026-02-01. Review status: criteria provided, single submitter. Criteria: Invitae Variant Classification Sherloc (09022015). Collection method: clinical testing. Allele origin: germline.

PreventionGenetics, part of Exact Sciences
Classification: Likely benign for RHO-related condition. Last evaluated: 2019-04-08. Review status: no assertion criteria provided. Collection method: clinical testing. Allele origin: germline. Not counted in ClinVar's aggregate classification.
Comment: This variant is classified as likely benign based on ACMG/AMP sequence variant interpretation guidelines (Richards et al. 2015 PMID: 25741868, with internal and published modifications).